The following is an entry in ClinVar:

NM_001171.6(ABCC6):c.1987G>C (p.Gly663Arg)

Gene: ABCC6 (ATP binding cassette subfamily C member 6; minus strand). Cytogenetic location: 16p13.11.
Variant type: single nucleotide variant.
Coding change: c.1987G>C on transcript NM_001171.6 (MANE Select); coding-DNA position 1987, G replaced by C.
Protein change: p.Gly663Arg; replaces glycine 663 with arginine.
Molecular consequence: missense variant. On other transcripts: non-coding transcript variant (1).
Genome position (GRCh38, 1-based): chr16:16,182,887, C>G on the plus strand (G>C on the coding strand, the complement: ABCC6 is on the minus strand). VCF-style: chr16-16182887-C-G. GRCh37 (hg19) VCF-style: chr16-16276744-C-G.
Other names: c.1645G>C, p.Gly549Arg (NM_001351800.1); short protein forms G549R, G663R.
Identifiers: ClinVar variation 2010658 (VCV002010658.1), dbSNP rs72653780, ClinGen allele CA394888763.

ClinVar aggregate classification (germline): Uncertain significance (1 of 4 stars; one submission).

Submission:

Labcorp Genetics (formerly Invitae), Labcorp
Classification: Uncertain significance. Last evaluated: 2022-06-25. Review status: criteria provided, single submitter. Criteria: Invitae Variant Classification Sherloc (09022015). Collection method: clinical testing. Allele origin: germline.
Comment: This sequence change replaces glycine, which is neutral and non-polar, with arginine, which is basic and polar, at codon 663 of the ABCC6 protein (p.Gly663Arg). This variant is not present in population databases (gnomAD no frequency). This variant has not been reported in the literature in individuals affected with ABCC6-related conditions. Advanced modeling of protein sequence and biophysical properties (such as structural, functional, and spatial information, amino acid conservation, physicochemical variation, residue mobility, and thermodynamic stability) performed at Invitae indicates that this missense variant is expected to disrupt ABCC6 protein function. In summary, the available evidence is currently insufficient to determine the role of this variant in disease. Therefore, it has been classified as a Variant of Uncertain Significance.